The following is an entry in ClinVar:

NM_000256.3(MYBPC3):c.1169A>C (p.His390Pro)

Gene: MYBPC3 (myosin binding protein C3; minus strand). Cytogenetic location: 11p11.2.
Variant type: single nucleotide variant.
Coding change: c.1169A>C on transcript NM_000256.3 (MANE Select); coding-DNA position 1169, A replaced by C.
Protein change: p.His390Pro; replaces histidine 390 with proline.
Molecular consequence: missense variant.
Genome position (GRCh38, 1-based): chr11:47,343,546, T>G on the plus strand (A>C on the coding strand, the complement: MYBPC3 is on the minus strand). VCF-style: chr11-47343546-T-G. GRCh37 (hg19) VCF-style: chr11-47365097-T-G.
Other names: short protein forms H390P.
Identifiers: ClinVar variation 2773749 (VCV002773749.2), dbSNP rs2495765563, ClinGen allele CA380328819.

ClinVar aggregate classification (germline): Uncertain significance (1 of 4 stars; one submission).

Conditions:
Cardiomyopathy (CMYO). Also called: Cardiomyopathies. Identifiers: Orphanet 167848, MedGen C0878544, MONDO:0004994, HP:0001638. Inheritance: Various modes of inheritance.

Submission:

Color Diagnostics, LLC DBA Color Health
Classification: Uncertain significance for Cardiomyopathy. Last evaluated: 2024-03-06. Review status: criteria provided, single submitter. Criteria: ACMG Guidelines, 2015. Collection method: clinical testing. Allele origin: germline.
Comment: This missense variant replaces histidine with proline at codon 390 of the MYBPC3 protein. Computational prediction tools indicate that this variant has a neutral impact on protein structure and function. To our knowledge, functional studies have not been reported for this variant. This variant has not been reported in individuals affected with MYBPC3-related disorders in the literature. This variant has not been identified in the general population by the Genome Aggregation Database (gnomAD). The available evidence is insufficient to determine the role of this variant in disease conclusively. Therefore, this variant is classified as a Variant of Uncertain Significance.